The following is an entry in ClinVar:

ClinVar aggregate classification (germline): Uncertain significance. Review status: criteria provided, multiple submitters, no conflicts (2 of 4 stars). 8 submissions from 8 submitters: Uncertain significance (8). Last evaluated 2025-08-30.

Conditions:
Gastric cancer. Also called: Malignant tumor of stomach; Stomach cancer. Identifiers: MedGen C0024623, MeSH D013274, MONDO:0001056, OMIM 613659, HP:0012126.
Familial adenomatous polyposis 2. Also called: MUTYH-associated polyposis; MUTYH-related attenuated familial adenomatous polyposis; Adenomas, multiple colorectal; MYH-associated polyposis; MUTYH Polyposis; COLORECTAL ADENOMATOUS POLYPOSIS, AUTOSOMAL RECESSIVE. Identifiers: Orphanet 220460, Orphanet 247798, MedGen C3272841, MONDO:0012041, OMIM 608456.
Hereditary cancer-predisposing syndrome. Also called: Neoplastic Syndromes, Hereditary; Hereditary Cancer Syndrome; Hereditary neoplastic syndrome; Tumor predisposition. Identifiers: Orphanet 140162, MedGen C0027672, MeSH D009386, MONDO:0015356.

Allele frequency attached by ClinVar (database versions not stated): gnomAD 0.00001; TOPMed 0.00001.
gnomAD v4.1: 6 of 1,614,078 alleles (0.00037%); highest among the groups gnomAD compares: African/African-American, 0.0067%; no homozygotes.

Submissions (8):

Ambry Genetics
Classification: Uncertain significance for Hereditary cancer-predisposing syndrome. Last evaluated: 2025-08-30. Review status: criteria provided, single submitter. Criteria: Ambry Variant Classification Scheme 2023. Collection method: clinical testing. Allele origin: germline.
Comment: The p.T477K variant (also known as c.1430C>A), located in coding exon 14 of the MUTYH gene, results from a C to A substitution at nucleotide position 1430. The threonine at codon 477 is replaced by lysine, an amino acid with similar properties. This amino acid position is highly conserved in available vertebrate species. In addition, this alteration is predicted to be deleterious by in silico analysis. Since supporting evidence is limited at this time, the clinical significance of this alteration remains unclear.

Labcorp Genetics (formerly Invitae), Labcorp
Classification: Uncertain significance for Familial adenomatous polyposis 2. Last evaluated: 2025-07-15. Review status: criteria provided, single submitter. Criteria: Invitae Variant Classification Sherloc (09022015). Collection method: clinical testing. Allele origin: germline.
Comment: This sequence change replaces threonine, which is neutral and polar, with lysine, which is basic and polar, at codon 477 of the MUTYH protein (p.Thr477Lys). This variant is present in population databases (rs767747402, gnomAD 0.02%). This variant has not been reported in the literature in individuals affected with MUTYH-related conditions. ClinVar contains an entry for this variant (Variation ID: 418800). An algorithm developed to predict the effect of missense changes on protein structure and function (PolyPhen-2) suggests that this variant is likely to be disruptive. In summary, the available evidence is currently insufficient to determine the role of this variant in disease. Therefore, it has been classified as a Variant of Uncertain Significance.

All of Us Research Program, National Institutes of Health
Classification: Uncertain significance for Familial adenomatous polyposis 2. Last evaluated: 2024-09-11. Review status: criteria provided, single submitter. Criteria: ACMG Guidelines, 2015. Collection method: clinical testing. Allele origin: germline. Inheritance: Autosomal recessive inheritance. Observed: 2 variant alleles, 2 heterozygotes.
Comment: This missense variant replaces threonine with lysine at codon 477 of the MUTYH protein. Computational prediction is inconclusive regarding the impact of this variant on protein structure and function (internally defined REVEL score threshold 0.5 < inconclusive < 0.7, PMID: 27666373). To our knowledge, functional studies have not been reported for this variant. This variant has not been reported in individuals affected with hereditary cancer in the literature. This variant has been identified in 4/282890 chromosomes in the general population by the Genome Aggregation Database (gnomAD). The available evidence is insufficient to determine the role of this variant in disease conclusively. Therefore, this variant is classified as a Variant of Uncertain Significance.

This study involves interpretation of variants in research participants for the purpose of population health screening. Participant phenotype was not available at the time of variant classification. Additional details can be found in publication PMID: 35346344, PMCID: PMC8962531

Fulgent Genetics
Classification: Uncertain significance for Familial adenomatous polyposis 2; Gastric cancer. Last evaluated: 2024-06-14. Review status: criteria provided, single submitter. Criteria: ACMG Guidelines, 2015. Collection method: clinical testing. Allele origin: germline.

Quest Diagnostics Nichols Institute San Juan Capistrano
Classification: Uncertain significance. Last evaluated: 2024-06-11. Review status: criteria provided, single submitter. Criteria: Quest Diagnostics criteria. Collection method: clinical testing. Allele origin: unknown.
Comment: The MUTYH c.1430C>A (p.Thr477Lys) variant has not been reported in individuals with MUTYH-related conditions in the published literature. The frequency of this variant in the general population, 0.00016 (4/24972 chromosomes (Genome Aggregation Database)), is uninformative in the assessment of its pathogenicity. Analysis of this variant using bioinformatics tools for the prediction of the effect of amino acid changes on protein structure and function yielded predictions that this variant is damaging. Based on the available information, we are unable to determine the clinical significance of this variant.

Baylor Genetics
Classification: Uncertain significance for Familial adenomatous polyposis 2. Last evaluated: 2023-10-04. Review status: criteria provided, single submitter. Criteria: ACMG Guidelines, 2015. Collection method: clinical testing. Allele origin: unknown.

Color Diagnostics, LLC DBA Color Health
Classification: Uncertain significance for Hereditary cancer-predisposing syndrome. Last evaluated: 2021-05-03. Review status: criteria provided, single submitter. Criteria: ACMG Guidelines, 2015. Collection method: clinical testing. Allele origin: germline.
Comment: This missense variant replaces threonine with lysine at codon 477 of the MUTYH protein. Computational prediction is inconclusive regarding the impact of this variant on protein structure and function (internally defined REVEL score threshold 0.5 < inconclusive < 0.7, PMID: 27666373). To our knowledge, functional studies have not been reported for this variant. This variant has not been reported in individuals affected with hereditary cancer in the literature. This variant has been identified in 4/282890 chromosomes in the general population by the Genome Aggregation Database (gnomAD). The available evidence is insufficient to determine the role of this variant in disease conclusively. Therefore, this variant is classified as a Variant of Uncertain Significance.

GeneDx
Classification: Uncertain significance. Last evaluated: 2015-04-02. Review status: criteria provided, single submitter. Criteria: GeneDx Variant Classification (06012015). Collection method: clinical testing. Allele origin: germline. Affected: yes.
Comment: This variant is denoted MUTYH c.1430C>A at the cDNA level, p.Thr477Lys (T477K) at the protein level, and results in the change of a Threonine to a Lysine (ACG>AAG). This variant has not, to our knowledge, been published in the literature as pathogenic or benign. MUTYH Thr477Lys was not observed in approximately 6,500 individuals of European and African American ancestry in the NHLBI Exome Sequencing Project, indicating it is not a common benign variant in these populations. Since Threonine and Lysine differ in some properties, this is considered a semi-conservative amino acid substitution. MUTYH Thr477Lys occurs at a position that is conserved across species and is located within the NUDIX domain (Ruggieri 2013, UniProt). In silico analyses are inconsistent regarding the effect this variant may have on protein structure and function. Based on currently available information, it is unclear whether MUTYH Thr477Lys is pathogenic or benign. We consider it to be a variant of uncertain significance. Of note, MUTYH-Associated Polyposis (MAP) is a recessive condition associated with two pathogenic variants on opposite chromosomes in MUTYH.

NM_001048174.2(MUTYH):c.1346C>A (p.Thr449Lys)

Gene: MUTYH (mutY DNA glycosylase; minus strand). Cytogenetic location: 1p34.1.
Variant type: single nucleotide variant.
Coding change: c.1346C>A on transcript NM_001048174.2 (MANE Select); coding-DNA position 1346, C replaced by A.
Protein change: p.Thr449Lys; replaces threonine 449 with lysine.
Molecular consequence: missense variant. On other transcripts: non-coding transcript variant (2).
Genome position (GRCh38, 1-based): chr1:45,331,228, G>T on the plus strand (C>A on the coding strand, the complement: MUTYH is on the minus strand). VCF-style: chr1-45331228-G-T. GRCh37 (hg19) VCF-style: chr1-45796900-G-T.
Other names: c.1346C>A, p.Thr449Lys (NM_001048171.2, NM_001048173.2, NM_001293195.2); c.1349C>A, p.Thr450Lys (NM_001048172.2); c.1430C>A, p.Thr477Lys (NM_001128425.2); c.1391C>A, p.Thr464Lys (NM_001293190.2); c.1379C>A, p.Thr460Lys (NM_001293191.2); c.1070C>A, p.Thr357Lys (NM_001293192.2, NM_001293196.2); c.1001C>A, p.Thr334Lys (NM_001350650.2, NM_001350651.2); c.1421C>A, p.Thr474Lys (NM_012222.3); short protein forms T477K, T449K, T460K, T450K, T464K, T334K, T357K, T474K.
Identifiers: ClinVar variation 418800 (VCV000418800.25), dbSNP rs767747402, ClinGen allele CA056342.